The following is an entry in ClinVar:

NM_003482.4(KMT2D):c.4321C>T (p.Arg1441Cys)

Gene: KMT2D (lysine methyltransferase 2D; minus strand). Cytogenetic location: 12q13.12.
Variant type: single nucleotide variant.
Coding change: c.4321C>T on transcript NM_003482.4 (MANE Select); coding-DNA position 4321, C replaced by T.
Protein change: p.Arg1441Cys; replaces arginine 1441 with cysteine.
Molecular consequence: missense variant.
Genome position (GRCh38, 1-based): chr12:49,046,706, G>A on the plus strand (C>T on the coding strand, the complement: KMT2D is on the minus strand). VCF-style: chr12-49046706-G-A. GRCh37 (hg19) VCF-style: chr12-49440489-G-A.
Other names: short protein forms R1441C.
Identifiers: ClinVar variation 4530881 (VCV004530881.1).
Genomic context (GRCh38, chr12:49,046,706, plus strand): 5'-GTGGGGGGTCCAGGCAGTATGTGTGGTAGCTAATATCACAGTCATCACAGAGCAGCAGGC[G>A]TGAGGGGTCGGAGGCCTGGCCACACACCTCACACACAATACACTCCACACAACGCCAGCC-3'
Protein context (NP_003473.3, residues 1431-1451): EVCGQASDPS[Arg1441Cys]LLLCDDCDIS

ClinVar aggregate classification (germline): Uncertain significance (1 of 4 stars; one submission).

gnomAD v4.1: 2 of 1,613,840 alleles (0.00012%); highest among the groups gnomAD compares: African/African-American, 0.0013%; no homozygotes.

Submission:

GeneDx
Classification: Uncertain significance. Last evaluated: 2025-05-20. Review status: criteria provided, single submitter. Criteria: GeneDx Variant Classification Process June 2021. Collection method: clinical testing. Allele origin: germline. Affected: yes.
Comment: In silico analysis supports that this missense variant has a deleterious effect on protein structure/function; Has not been previously published as pathogenic or benign to our knowledge.